The following is an entry in ClinVar:

ClinVar aggregate classification (germline): Uncertain significance (1 of 4 stars; one submission).

Conditions:
Developmental and epileptic encephalopathy, 9 (DEE9). Also called: PCDH19-Related X-Linked Female-Limited Epilepsy with Mental Retardation; Early infantile epileptic encephalopathy 9; EPILEPSY, FEMALE-RESTRICTED, WITH MENTAL RETARDATION; JUBERG-HELLMAN SYNDROME. Identifiers: Orphanet 101039, Orphanet 2076, MedGen C1848137, MONDO:0010246, OMIM 300088. Disease mechanism: loss of function.

Submission:

Labcorp Genetics (formerly Invitae), Labcorp
Classification: Uncertain significance for Developmental and epileptic encephalopathy, 9. Last evaluated: 2022-12-05. Review status: criteria provided, single submitter. Criteria: Invitae Variant Classification Sherloc (09022015). Collection method: clinical testing. Allele origin: germline.
Comment: In summary, the available evidence is currently insufficient to determine the role of this variant in disease. Therefore, it has been classified as a Variant of Uncertain Significance. Advanced modeling of protein sequence and biophysical properties (such as structural, functional, and spatial information, amino acid conservation, physicochemical variation, residue mobility, and thermodynamic stability) performed at Invitae indicates that this missense variant is expected to disrupt PCDH19 protein function. ClinVar contains an entry for this variant (Variation ID: 1410835). This variant has not been reported in the literature in individuals affected with PCDH19-related conditions. This variant is not present in population databases (gnomAD no frequency). This sequence change replaces glutamic acid, which is acidic and polar, with aspartic acid, which is acidic and polar, at codon 360 of the PCDH19 protein (p.Glu360Asp).

NM_001184880.2(PCDH19):c.1080G>C (p.Glu360Asp)

Gene: PCDH19 (protocadherin 19; minus strand). Cytogenetic location: Xq22.1.
Variant type: single nucleotide variant.
Coding change: c.1080G>C on transcript NM_001184880.2 (MANE Select); coding-DNA position 1080, G replaced by C.
Protein change: p.Glu360Asp; replaces glutamic acid 360 with aspartic acid.
Molecular consequence: missense variant.
Genome position (GRCh38, 1-based): chrX:100,407,518, C>G on the plus strand (G>C on the coding strand, the complement: PCDH19 is on the minus strand). VCF-style: chrX-100407518-C-G. GRCh37 (hg19) VCF-style: chrX-99662516-C-G.
Other names: c.1080G>C, p.Glu360Asp (NM_001105243.2, NM_020766.3); short protein forms E360D.
Identifiers: ClinVar variation 1410835 (VCV001410835.8), dbSNP rs2147539716, ClinGen allele CA414004365.